The following is an entry in ClinVar:

ClinVar aggregate classification (germline): Uncertain significance (1 of 4 stars; one submission).

Submission:

Mayo Clinic Laboratories, Mayo Clinic
Classification: Uncertain significance. Last evaluated: 2025-04-15. Review status: criteria provided, single submitter. Criteria: ACMG Guidelines, 2015. Collection method: clinical testing. Allele origin: germline. Observed: 2 variant alleles.
Comment: PM2_supporting, PM3_supporting

Literature cited by the submitters: PubMed 35861376.

NM_000447.3(PSEN2):c.50G>A (p.Arg17Gln)

Gene: PSEN2 (presenilin 2; plus strand). Cytogenetic location: 1q42.13.
Variant type: single nucleotide variant.
Coding change: c.50G>A on transcript NM_000447.3 (MANE Select); coding-DNA position 50, G replaced by A.
Protein change: p.Arg17Gln; replaces arginine 17 with glutamine.
Molecular consequence: missense variant.
Genome position (GRCh38, 1-based): chr1:226,881,957, G>A. VCF-style: chr1-226881957-G-A. GRCh37 (hg19) VCF-style: chr1-227069658-G-A.
Other names: p.Arg17Gln; c.50G>A, p.Arg17Gln (NM_012486.3); short protein forms R17Q.
Identifiers: ClinVar variation 3380643 (VCV003380643.2).